The following is an entry in ClinVar:

NM_001040108.2(MLH3):c.2795A>G (p.Asn932Ser)

Gene: MLH3 (mutL homolog 3; minus strand). Cytogenetic location: 14q24.3.
Variant type: single nucleotide variant.
Coding change: c.2795A>G on transcript NM_001040108.2 (MANE Select); coding-DNA position 2795, A replaced by G.
Protein change: p.Asn932Ser; replaces asparagine 932 with serine.
Molecular consequence: missense variant.
Genome position (GRCh38, 1-based): chr14:75,046,861, T>C on the plus strand (A>G on the coding strand, the complement: MLH3 is on the minus strand). VCF-style: chr14-75046861-T-C. GRCh37 (hg19) VCF-style: chr14-75513564-T-C.
Other names: c.2795A>G, p.Asn932Ser (NM_014381.3); short protein forms N932S.
Identifiers: ClinVar variation 1796084 (VCV001796084.5), dbSNP rs745389962, ClinGen allele CA7275639.

ClinVar aggregate classification (germline): Conflicting classifications of pathogenicity. Review status: criteria provided, conflicting classifications (1 of 4 stars). 2 submissions from 2 submitters: Uncertain significance (1); Likely benign (1). Last evaluated 2024-01-17.

Conditions:
Colorectal cancer, hereditary nonpolyposis, type 7. Identifiers: Orphanet 144, MedGen C1858380, MONDO:0013725, OMIM 614385.

Allele frequency attached by ClinVar (database versions not stated): gnomAD exomes below 0.00001; TOPMed below 0.00001; gnomAD 0.00001; ExAC 0.00002.
gnomAD v4.1: 3 of 1,613,990 alleles (0.00019%); highest among the groups gnomAD compares: South Asian, 0.0011%; no homozygotes.

Submissions (2):

Labcorp Genetics (formerly Invitae), Labcorp
Classification: Uncertain significance for Colorectal cancer, hereditary nonpolyposis, type 7. Last evaluated: 2024-01-17. Review status: criteria provided, single submitter. Criteria: Invitae Variant Classification Sherloc (09022015). Collection method: clinical testing. Allele origin: germline.
Comment: This sequence change replaces asparagine, which is neutral and polar, with serine, which is neutral and polar, at codon 932 of the MLH3 protein (p.Asn932Ser). This variant is not present in population databases (gnomAD no frequency). This variant has not been reported in the literature in individuals affected with MLH3-related conditions. ClinVar contains an entry for this variant (Variation ID: 1796084). Algorithms developed to predict the effect of missense changes on protein structure and function output the following: SIFT: "Not Available"; PolyPhen-2: "Benign"; Align-GVGD: "Not Available". The serine amino acid residue is found in multiple mammalian species, which suggests that this missense change does not adversely affect protein function. In summary, the available evidence is currently insufficient to determine the role of this variant in disease. Therefore, it has been classified as a Variant of Uncertain Significance.

Ambry Genetics
Classification: Likely benign. Last evaluated: 2022-04-30. Review status: criteria provided, single submitter. Criteria: Ambry Variant Classification Scheme 2023. Collection method: clinical testing. Allele origin: germline.